The following is an entry in ClinVar:

NM_032802.4(SPPL2A):c.1438G>A (p.Ala480Thr)

Gene: SPPL2A (signal peptide peptidase like 2A; minus strand). Cytogenetic location: 15q21.2.
Variant type: single nucleotide variant.
Coding change: c.1438G>A on transcript NM_032802.4 (MANE Select); coding-DNA position 1438, G replaced by A.
Protein change: p.Ala480Thr; replaces alanine 480 with threonine.
Molecular consequence: missense variant.
Genome position (GRCh38, 1-based): chr15:50,719,990, C>T on the plus strand (G>A on the coding strand, the complement: SPPL2A is on the minus strand). VCF-style: chr15-50719990-C-T. GRCh37 (hg19) VCF-style: chr15-51012187-C-T.
Other names: c.1438G>A (NM_032802.3); short protein forms A480T.
Identifiers: ClinVar variation 3673614 (VCV003673614.3).

ClinVar aggregate classification (germline): Uncertain significance. Review status: criteria provided, multiple submitters, no conflicts (2 of 4 stars). 2 submissions from 2 submitters: Uncertain significance (2). Last evaluated 2025-11-08.

Submissions (2):

Ambry Genetics
Classification: Uncertain significance. Last evaluated: 2025-11-08. Review status: criteria provided, single submitter. Criteria: Ambry Variant Classification Scheme 2023. Collection method: clinical testing. Allele origin: germline.

Labcorp Genetics (formerly Invitae), Labcorp
Classification: Uncertain significance. Last evaluated: 2024-07-04. Review status: criteria provided, single submitter. Criteria: Invitae Variant Classification Sherloc (09022015). Collection method: clinical testing. Allele origin: germline.
Comment: This sequence change replaces alanine, which is neutral and non-polar, with threonine, which is neutral and polar, at codon 480 of the SPPL2A protein (p.Ala480Thr). This variant is not present in population databases (gnomAD no frequency). This variant has not been reported in the literature in individuals affected with SPPL2A-related conditions. An algorithm developed to predict the effect of missense changes on protein structure and function (PolyPhen-2) suggests that this variant is likely to be disruptive. In summary, the available evidence is currently insufficient to determine the role of this variant in disease. Therefore, it has been classified as a Variant of Uncertain Significance.